The following is an entry in ClinVar:

NM_000059.4(BRCA2):c.2259T>C (p.Phe753=)

Gene: BRCA2 (BRCA2 DNA repair associated; plus strand). Cytogenetic location: 13q13.1.
Variant type: single nucleotide variant.
Coding change: c.2259T>C on transcript NM_000059.4 (MANE Select); coding-DNA position 2259, T replaced by C.
Protein change: p.Phe753=; no amino-acid change (phenylalanine 753 retained).
Molecular consequence: synonymous variant.
Genome position (GRCh38, 1-based): chr13:32,336,614, T>C. VCF-style: chr13-32336614-T-C. GRCh37 (hg19) VCF-style: chr13-32910751-T-C.
Identifiers: ClinVar variation 516910 (VCV000516910.18), dbSNP rs1555282582, ClinGen allele CA483436999.

ClinVar aggregate classification (germline): Likely benign. Review status: criteria provided, multiple submitters, no conflicts (2 of 4 stars). 5 submissions from 5 submitters: Likely benign (5). Last evaluated 2026-01-08.

Conditions:
Hereditary cancer-predisposing syndrome. Also called: Neoplastic Syndromes, Hereditary; Tumor predisposition; Hereditary Cancer Syndrome; Hereditary neoplastic syndrome. Identifiers: Orphanet 140162, MedGen C0027672, MeSH D009386, MONDO:0015356.
Hereditary breast ovarian cancer syndrome. Also called: Hereditary breast and ovarian cancer; Breast and ovarian cancer; Hereditary breast and ovarian cancer syndrome (HBOC); BRCA1- and BRCA2-Associated Hereditary Breast and Ovarian Cancer; Hereditary breast and ovarian cancer syndrome; Hereditary breast and/or ovarian cancer syndrome. Identifiers: Orphanet 145, MedGen C0677776, MeSH D061325, MONDO:0003582. Disease mechanism: loss of function.
Breast-ovarian cancer, familial, susceptibility to, 2 (BROVCA2). Also called: BRCA2 Hereditary Breast and Ovarian Cancer. Identifiers: Orphanet 145, MedGen C2675520, MONDO:0012933, OMIM 612555. Disease mechanism: loss of function.

Allele frequency attached by ClinVar (database versions not stated): gnomAD exomes 0.00001.
gnomAD v4.1: 3 of 1,614,118 alleles (0.00019%); highest among the groups gnomAD compares: Non-Finnish European, 0.00025%; no homozygotes.

Submissions (5):

Labcorp Genetics (formerly Invitae), Labcorp
Classification: Likely benign for Hereditary breast ovarian cancer syndrome. Last evaluated: 2026-01-08. Review status: criteria provided, single submitter. Criteria: Invitae Variant Classification Sherloc (09022015). Collection method: clinical testing. Allele origin: germline.

All of Us Research Program, National Institutes of Health
Classification: Likely benign for Breast-ovarian cancer, familial, susceptibility to, 2. Last evaluated: 2023-08-15. Review status: criteria provided, single submitter. Criteria: ACMG Guidelines, 2015. Collection method: clinical testing. Allele origin: germline. Inheritance: Autosomal dominant inheritance. Observed: 1 variant allele, 1 heterozygote.
Comment: This study involves interpretation of variants in research participants for the purpose of population health screening. Participant phenotype was not available at the time of variant classification. Additional details can be found in publication PMID: 35346344, PMCID: PMC8962531

Ambry Genetics
Classification: Likely benign for Hereditary cancer-predisposing syndrome. Last evaluated: 2019-12-05. Review status: criteria provided, single submitter. Criteria: Ambry Variant Classification Scheme 2023. Collection method: clinical testing. Allele origin: germline.

Color Diagnostics, LLC DBA Color Health
Classification: Likely benign for Hereditary cancer-predisposing syndrome. Last evaluated: 2019-10-10. Review status: criteria provided, single submitter. Criteria: ACMG Guidelines, 2015. Collection method: clinical testing. Allele origin: germline.

GeneDx
Classification: Likely benign. Last evaluated: 2018-02-16. Review status: criteria provided, single submitter. Criteria: GeneDx Variant Classification (06012015). Collection method: clinical testing. Allele origin: germline. Affected: yes.
Comment: This variant is considered likely benign or benign based on one or more of the following criteria: it is a conservative change, it occurs at a poorly conserved position in the protein, it is predicted to be benign by multiple in silico algorithms, and/or has population frequency not consistent with disease.